The following is an entry in ClinVar:

NM_001005337.3(PKP1):c.691G>T (p.Ala231Ser)

Gene: PKP1 (plakophilin 1; plus strand). Cytogenetic location: 1q32.1.
Variant type: single nucleotide variant.
Coding change: c.691G>T on transcript NM_001005337.3 (MANE Select); coding-DNA position 691, G replaced by T.
Protein change: p.Ala231Ser; replaces alanine 231 with serine.
Molecular consequence: missense variant.
Genome position (GRCh38, 1-based): chr1:201,313,550, G>T. VCF-style: chr1-201313550-G-T. GRCh37 (hg19) VCF-style: chr1-201282678-G-T.
Other names: c.691G>T, p.Ala231Ser (NM_000299.4); short protein forms A231S.
Identifiers: ClinVar variation 3372767 (VCV003372767.1).

ClinVar aggregate classification (germline): Uncertain significance (1 of 4 stars; one submission).

gnomAD v4.1: 4 of 1,612,880 alleles (0.00025%); highest among the groups gnomAD compares: Non-Finnish European, 0.00034%; no homozygotes.

Submission:

GeneDx
Classification: Uncertain significance. Last evaluated: 2024-04-22. Review status: criteria provided, single submitter. Criteria: GeneDx Variant Classification Process June 2021. Collection method: clinical testing. Allele origin: germline. Affected: yes.
Comment: Not observed at significant frequency in large population cohorts (gnomAD); In silico analysis indicates that this missense variant does not alter protein structure/function; Has not been previously published as pathogenic or benign to our knowledge